The following is an entry in ClinVar:

NM_002430.3(MN1):c.1392C>G (p.Ser464Arg)

Gene: MN1 (MN1 proto-oncogene, transcriptional regulator; minus strand). Cytogenetic location: 22q12.1.
Variant type: single nucleotide variant.
Coding change: c.1392C>G on transcript NM_002430.3 (MANE Select); coding-DNA position 1392, C replaced by G.
Protein change: p.Ser464Arg; replaces serine 464 with arginine.
Molecular consequence: missense variant.
Genome position (GRCh38, 1-based): chr22:27,799,152, G>C on the plus strand (C>G on the coding strand, the complement: MN1 is on the minus strand). VCF-style: chr22-27799152-G-C. GRCh37 (hg19) VCF-style: chr22-28195140-G-C.
Other names: short protein forms S464R.
Identifiers: ClinVar variation 4976132 (VCV004976132.1).

ClinVar aggregate classification (germline): Uncertain significance (1 of 4 stars; one submission).

Submission:

GeneDx
Classification: Uncertain significance. Last evaluated: 2026-02-03. Review status: criteria provided, single submitter. Criteria: GeneDx Variant Classification Process June 2021. Collection method: clinical testing. Allele origin: germline.
Comment: Not observed at significant frequency in large population cohorts (gnomAD); In silico analysis supports that this missense variant has a deleterious effect on protein structure/function; Has not been previously published as pathogenic or benign to our knowledge